The following is an entry in ClinVar:

NM_004064.5(CDKN1B):c.173_174insTT (p.Lys59fs)

Gene: CDKN1B (cyclin dependent kinase inhibitor 1B; plus strand). Cytogenetic location: 12p13.1.
Variant type: Insertion.
Coding change: c.173_174insTT on transcript NM_004064.5 (MANE Select); coding-DNA positions 173 to 174, TT inserted.
Protein change: p.Lys59fs; shifts the reading frame from lysine 59.
Molecular consequence: frameshift variant.
Genome position: GRCh38 VCF-style: chr12-12718012-G-GTT. GRCh37 (hg19) VCF-style: chr12-12870946-G-GTT.
Other names: short protein forms K59fs.
Identifiers: ClinVar variation 4842694 (VCV004842694.1).

ClinVar aggregate classification (germline): Pathogenic (1 of 4 stars; one submission).

Conditions:
Hereditary cancer-predisposing syndrome. Also called: Neoplastic Syndromes, Hereditary; Tumor predisposition; Hereditary Cancer Syndrome; Hereditary neoplastic syndrome. Identifiers: Orphanet 140162, MedGen C0027672, MeSH D009386, MONDO:0015356.

Submission:

Ambry Genetics
Classification: Pathogenic for Hereditary cancer-predisposing syndrome. Last evaluated: 2026-01-15. Review status: criteria provided, single submitter. Criteria: Ambry Variant Classification Scheme 2023. Collection method: clinical testing. Allele origin: germline.
Comment: The c.173_174insTT pathogenic mutation, located in coding exon 1 of the CDKN1B gene, results from an insertion of two nucleotides at position 173, causing a translational frameshift with a predicted alternate stop codon (p.K59Sfs*13). This variant is considered to be rare based on population cohorts in the Genome Aggregation Database (gnomAD). This alteration is expected to result in loss of function by premature protein truncation or nonsense-mediated mRNA decay. As such, this alteration is interpreted as a disease-causing mutation.